The following is an entry in ClinVar:

NM_000038.6(APC):c.5250C>A (p.Val1750=)

Gene: APC (APC regulator of WNT signaling pathway; plus strand). Cytogenetic location: 5q22.2.
Variant type: single nucleotide variant.
Coding change: c.5250C>A on transcript NM_000038.6 (MANE Select); coding-DNA position 5250, C replaced by A.
Protein change: p.Val1750=; no amino-acid change (valine 1750 retained).
Molecular consequence: synonymous variant. On other transcripts: non-coding transcript variant (2).
Genome position (GRCh38, 1-based): chr5:112,840,844, C>A. VCF-style: chr5-112840844-C-A. GRCh37 (hg19) VCF-style: chr5-112176541-C-A.
Other names: c.5250C>A, p.Val1750= (NM_001127510.3, NM_001354895.2, NM_001407450.1); c.5196C>A, p.Val1732= (NM_001127511.3); c.5304C>A, p.Val1768= (NM_001354896.2, NM_001407447.1, NM_001407448.1 and 1 more transcripts); c.5280C>A, p.Val1760= (NM_001354897.2); c.5175C>A, p.Val1725= (NM_001354898.2); c.5166C>A, p.Val1722= (NM_001354899.2); c.5127C>A, p.Val1709= (NM_001354900.2); c.5073C>A, p.Val1691= (NM_001354901.2, NM_001407453.1); and 11 more.
Identifiers: ClinVar variation 3074405 (VCV003074405.1), dbSNP rs2229997, ClinGen allele CA446209661.

ClinVar aggregate classification (germline): Likely benign (1 of 4 stars; one submission).

Conditions:
Classic or attenuated familial adenomatous polyposis. Identifiers: MedGen CN372698, MONDO:0021057.

gnomAD v4.1: 1 of 1,614,026 alleles (0.000062%); highest among the groups gnomAD compares: South Asian, 0.0011%; no homozygotes.

Submission:

All of Us Research Program, National Institutes of Health
Classification: Likely benign for Classic or attenuated familial adenomatous polyposis. Last evaluated: 2023-11-02. Review status: criteria provided, single submitter. Criteria: ACMG Guidelines, 2015. Collection method: clinical testing. Allele origin: germline. Inheritance: Autosomal dominant inheritance. Observed: 1 variant allele, 1 heterozygote.
Comment: This study involves interpretation of variants in research participants for the purpose of population health screening. Participant phenotype was not available at the time of variant classification. Additional details can be found in publication PMID: 35346344, PMCID: PMC8962531